The following is an entry in ClinVar:

NM_002335.4(LRP5):c.2754dup (p.Ala919fs)

Gene: LRP5 (LDL receptor related protein 5; plus strand). Cytogenetic location: 11q13.2.
Variant type: Duplication.
Coding change: c.2754dup on transcript NM_002335.4 (MANE Select); coding-DNA position 2754, one base duplicated (T; older notation c.2754dupT).
Protein change: p.Ala919fs; shifts the reading frame from alanine 919.
Molecular consequence: frameshift variant.
Genome position (GRCh38, 1-based): chr11:68,413,939, T duplicated; the last of 2 consecutive T bases (chr11:68,413,938-68,413,939); duplicating either gives the same sequence. VCF-style (leftmost placement, unchanged base first): chr11-68413937-C-CT. GRCh37 (hg19) VCF-style: chr11-68181405-C-CT.
Other names: c.1011dup, p.Ala338fs (NM_001291902.2); short protein forms A338fs, A919fs.
Identifiers: ClinVar variation 1074902 (VCV001074902.7), dbSNP rs2153168193, ClinGen allele CA2499221262.

ClinVar aggregate classification (germline): Pathogenic (1 of 4 stars; one submission).

Submission:

Labcorp Genetics (formerly Invitae), Labcorp
Classification: Pathogenic. Last evaluated: 2020-09-11. Review status: criteria provided, single submitter. Criteria: Invitae Variant Classification Sherloc (09022015). Collection method: clinical testing. Allele origin: germline.
Comment: For these reasons, this variant has been classified as Pathogenic. Loss-of-function variants in LRP5 are known to be pathogenic (PMID: 11719191, 16252235, 25711638). This variant has not been reported in the literature in individuals with LRP5-related conditions. This variant is not present in population databases (ExAC no frequency). This sequence change creates a premature translational stop signal (p.Ala919Cysfs*67) in the LRP5 gene. It is expected to result in an absent or disrupted protein product.

Literature cited by the submitters: PubMed 11719191; PubMed 16252235; PubMed 25711638.